The following is an entry in ClinVar:

NM_020937.4(FANCM):c.466C>T (p.Gln156Ter)

Gene: FANCM (FA complementation group M; plus strand). Cytogenetic location: 14q21.2.
Variant type: single nucleotide variant.
Coding change: c.466C>T on transcript NM_020937.4 (MANE Select); coding-DNA position 466, C replaced by T.
Protein change: p.Gln156Ter; replaces glutamine 156 with a stop codon.
Molecular consequence: nonsense.
Genome position (GRCh38, 1-based): chr14:45,136,497, C>T. VCF-style: chr14-45136497-C-T. GRCh37 (hg19) VCF-style: chr14-45605700-C-T.
Other names: c.466C>T, p.Gln156Ter (NM_001308133.2, NM_001308134.2); c.466C>T (NM_020937.3); short protein forms Q156*.
Identifiers: ClinVar variation 1419135 (VCV001419135.7), dbSNP rs1885521004, ClinGen allele CA389588388.

ClinVar aggregate classification (germline): Pathogenic. Review status: criteria provided, single submitter (1 of 4 stars). 2 submissions from 2 submitters: Pathogenic (1). 1 of the submissions does not count toward it. Last evaluated 2022-05-10.

Conditions:
FANCM-related disorder. Also called: FANCM-related condition.
Fanconi anemia (FA). Also called: Fanconi's anemia. Identifiers: Orphanet 84, MedGen C0015625, MeSH D005199, MONDO:0019391.

Allele frequency attached by ClinVar (database versions not stated): gnomAD exomes 0.00001.

Submissions (2):

Labcorp Genetics (formerly Invitae), Labcorp
Classification: Pathogenic for Fanconi anemia. Last evaluated: 2022-05-10. Review status: criteria provided, single submitter. Criteria: Invitae Variant Classification Sherloc (09022015). Collection method: clinical testing. Allele origin: germline.
Comment: This sequence change creates a premature translational stop signal (p.Gln156*) in the FANCM gene. It is expected to result in an absent or disrupted protein product. Loss-of-function variants in FANCM are known to be pathogenic (PMID: 29895858, 30075111). This variant is not present in population databases (gnomAD no frequency). This premature translational stop signal has been observed in individual(s) with ovarian cancer (PMID: 28881617). Algorithms developed to predict the effect of sequence changes on RNA splicing suggest that this variant may disrupt the consensus splice site. For these reasons, this variant has been classified as Pathogenic.

PreventionGenetics, part of Exact Sciences
Classification: Likely pathogenic for FANCM-related condition. Last evaluated: 2024-09-03. Review status: no assertion criteria provided. Collection method: clinical testing. Allele origin: germline. Not counted in ClinVar's aggregate classification.
Comment: The FANCM c.466C>T variant is predicted to result in premature protein termination (p.Gln156*). This variant was reported in an individual with high grade serous ovarian cancer as well as in a control (Supplementary Table 6. Dicks et al. 2017. PubMed ID: 28881617). This variant has not been reported in gnomAD, indicating this variant is rare. This variant is classified as pathogenic in ClinVar. Nonsense variants in FANCM are expected to be pathogenic. This variant is interpreted as likely pathogenic.

Literature cited by the submitters: PubMed 29895858 (cited by Labcorp Genetics (formerly Invitae), Labcorp); PubMed 30075111 (cited by Labcorp Genetics (formerly Invitae), Labcorp); PubMed 28881617 (cited by Labcorp Genetics (formerly Invitae), Labcorp).